The following is an entry in ClinVar:

NM_000399.5(EGR2):c.1274_1275del (p.Glu425fs)

Gene: EGR2 (early growth response 2; minus strand). Cytogenetic location: 10q21.3.
Variant type: Microsatellite.
Coding change: c.1274_1275del on transcript NM_000399.5 (MANE Select); coding-DNA positions 1274 to 1275, 2 bases deleted (AG; older notation c.1274_1275delAG).
Protein change: p.Glu425fs; shifts the reading frame from glutamic acid 425.
Molecular consequence: frameshift variant.
Genome position (GRCh38, 1-based): chr10:62,813,363-62,813,364, CT deleted on the plus strand (AG on the coding strand, the reverse complement: EGR2 is on the minus strand); deleting any 2 consecutive bases within chr10:62,813,363-62,813,366 gives the same sequence; the c. name uses the placement nearest the transcript's 3' end. VCF-style (leftmost placement, unchanged base first): chr10-62813362-GCT-G. GRCh37 (hg19) VCF-style: chr10-64573122-GCT-G.
Other names: c.1274_1275del, p.Glu425fs (NM_001136177.3, NM_001136178.2); c.1124_1125del, p.Glu375fs (NM_001136179.3, NM_001321037.2); short protein forms E375fs, E425fs.
Identifiers: ClinVar variation 645916 (VCV000645916.8), dbSNP rs1589080330, ClinGen allele CA915945923.

ClinVar aggregate classification (germline): Uncertain significance (1 of 4 stars; one submission).

Conditions:
Charcot-Marie-Tooth disease, type I (CMT1). Also called: Charcot-Marie-Tooth disease type 1; Charcot-Marie-Tooth, Type 1. Identifiers: Orphanet 65753, MedGen C0751036, MONDO:0019011.

Submission:

Labcorp Genetics (formerly Invitae), Labcorp
Classification: Uncertain significance for Charcot-Marie-Tooth disease, type I. Last evaluated: 2025-01-06. Review status: criteria provided, single submitter. Criteria: Invitae Variant Classification Sherloc (09022015). Collection method: clinical testing. Allele origin: germline.
Comment: This sequence change creates a premature translational stop signal (p.Glu425Alafs*32) in the EGR2 gene. While this is not anticipated to result in nonsense mediated decay, it is expected to disrupt the last 52 amino acid(s) of the EGR2 protein. This variant is not present in population databases (gnomAD no frequency). This variant has not been reported in the literature in individuals affected with EGR2-related conditions. Experimental studies and prediction algorithms are not available or were not evaluated, and the functional significance of this variant is currently unknown. In summary, the available evidence is currently insufficient to determine the role of this variant in disease. Therefore, it has been classified as a Variant of Uncertain Significance.